The following is an entry in ClinVar:

ClinVar aggregate classification (germline): Uncertain significance (1 of 4 stars; one submission).

Conditions:
Familial intrahepatic cholestasis. Identifiers: Orphanet 284385, MedGen CN296401, MONDO:0017290.

Submission:

Genomenon, Inc
Classification: Uncertain significance for Familial intrahepatic cholestasis. Last evaluated: 2026-04-14. Review status: criteria provided, single submitter. Criteria: Genomenon Sequence Variant Interpretation Standards - Updated. Collection method: curation. Allele origin: germline. Affected: yes.
Comment: ABCB11 p.Ile213Thr (c.638T>C) is a missense variant that changes the amino acid at residue 213 from Isoleucine to Threonine. This variant has been observed in at least one proband with an ABCB11-related disorder (PMID:37361697). It is absent or not present at a significant frequency in gnomAD. In silico models predict that this variant is possibly or probably damaging. In conclusion, we classify ABCB11 p.Ile213Thr (c.638T>C) as a variant of uncertain significance.

Literature cited by the submitters: PubMed 37361697.

NM_003742.4(ABCB11):c.638T>C (p.Ile213Thr)

Gene: ABCB11 (ATP binding cassette subfamily B member 11; minus strand). Cytogenetic location: 2q31.1.
Variant type: single nucleotide variant.
Coding change: c.638T>C on transcript NM_003742.4 (MANE Select); coding-DNA position 638, T replaced by C.
Protein change: p.Ile213Thr; replaces isoleucine 213 with threonine.
Molecular consequence: missense variant.
Genome position (GRCh38, 1-based): chr2:168,993,856, A>G on the plus strand (T>C on the coding strand, the complement: ABCB11 is on the minus strand). VCF-style: chr2-168993856-A-G. GRCh37 (hg19) VCF-style: chr2-169850366-A-G.
Other names: short protein forms I213T.
Identifiers: ClinVar variation 4846050 (VCV004846050.1).